The following is an entry in ClinVar:

ClinVar aggregate classification (germline): Benign/Likely benign. Review status: criteria provided, multiple submitters, no conflicts (2 of 4 stars). 4 submissions from 4 submitters: Benign (3); Likely benign (1). Last evaluated 2026-02-02.

Conditions:
Severe combined immunodeficiency due to DNA-PKcs deficiency. Also called: IMMUNODEFICIENCY 26 WITH NEUROLOGIC ABNORMALITIES; Immunodeficiency 26 with or without neurologic abnormalities. Identifiers: Orphanet 317425, MedGen C4014833, MONDO:0014423, OMIM 615966.

Allele frequency attached by ClinVar (database versions not stated): gnomAD exomes 0.00623; ExAC 0.01638; gnomAD 0.02351 and 0.02513; ESP Exome Variant Server 0.02584; TOPMed 0.02620; 1000 Genomes Project 0.03075; 1000 Genomes Project 30x 0.03248.

Submissions (4):

Labcorp Genetics (formerly Invitae), Labcorp
Classification: Benign for Severe combined immunodeficiency due to DNA-PKcs deficiency. Last evaluated: 2026-02-02. Review status: criteria provided, single submitter. Criteria: Invitae Variant Classification Sherloc (09022015). Collection method: clinical testing. Allele origin: germline.

Women's Health and Genetics/Laboratory Corporation of America, LabCorp
Classification: Likely benign. Last evaluated: 2026-01-21. Review status: criteria provided, single submitter. Criteria: LabCorp Variant Classification Summary - May 2015. Collection method: clinical testing. Allele origin: germline.

GeneDx
Classification: Benign. Last evaluated: 2017-01-16. Review status: criteria provided, single submitter. Criteria: GeneDx Variant Classification (06012015). Collection method: clinical testing. Allele origin: germline. Affected: yes.
Comment: This variant is considered likely benign or benign based on one or more of the following criteria: it is a conservative change, it occurs at a poorly conserved position in the protein, it is predicted to be benign by multiple in silico algorithms, and/or has population frequency not consistent with disease.

Breakthrough Genomics
Classification: Benign. Review status: criteria provided, single submitter. Criteria: ACMG Guidelines, 2015. Collection method: not provided. Allele origin: germline. Inheritance: Autosomal recessive inheritance. Affected: yes.

NM_006904.7(PRKDC):c.1814C>G (p.Thr605Ser)

Gene: PRKDC (protein kinase, DNA-activated, catalytic subunit; minus strand). Cytogenetic location: 8q11.21.
Variant type: single nucleotide variant.
Coding change: c.1814C>G on transcript NM_006904.7 (MANE Select); coding-DNA position 1814, C replaced by G.
Protein change: p.Thr605Ser; replaces threonine 605 with serine.
Molecular consequence: missense variant.
Genome position (GRCh38, 1-based): chr8:47,930,750, G>C on the plus strand (C>G on the coding strand, the complement: PRKDC is on the minus strand). VCF-style: chr8-47930750-G-C. GRCh37 (hg19) VCF-style: chr8-48843310-G-C.
Other names: c.1814C>G, p.Thr605Ser (NM_001081640.2); short protein forms T605S.
Identifiers: ClinVar variation 475221 (VCV000475221.13), dbSNP rs8178033, ClinGen allele CA4741631.